The following is an entry in ClinVar:

NM_004655.4(AXIN2):c.2089C>G (p.Leu697Val)

Gene: AXIN2 (axin 2; minus strand). Cytogenetic location: 17q24.1.
Variant type: single nucleotide variant.
Coding change: c.2089C>G on transcript NM_004655.4 (MANE Select); coding-DNA position 2089, C replaced by G.
Protein change: p.Leu697Val; replaces leucine 697 with valine.
Molecular consequence: missense variant.
Genome position (GRCh38, 1-based): chr17:65,536,372, G>C on the plus strand (C>G on the coding strand, the complement: AXIN2 is on the minus strand). VCF-style: chr17-65536372-G-C. GRCh37 (hg19) VCF-style: chr17-63532490-G-C.
Other names: c.2089C>G (NM_004655.3); c.1894C>G, p.Leu632Val (NM_001363813.1); short protein forms L632V, L697V.
Identifiers: ClinVar variation 1055310 (VCV001055310.10), dbSNP rs2043915137, ClinGen allele CA400676011.

ClinVar aggregate classification (germline): Uncertain significance. Review status: criteria provided, multiple submitters, no conflicts (2 of 4 stars). 2 submissions from 2 submitters: Uncertain significance (2). Last evaluated 2025-05-05.

Conditions:
Oligodontia-cancer predisposition syndrome. Also called: TOOTH AGENESIS-COLORECTAL CANCER SYNDROME. Identifiers: Orphanet 300576, MedGen C1837750, MONDO:0012075, OMIM 608615. Disease mechanism: loss of function.
Hereditary cancer-predisposing syndrome. Also called: Hereditary Cancer Syndrome; Tumor predisposition; Hereditary neoplastic syndrome; Neoplastic Syndromes, Hereditary. Identifiers: Orphanet 140162, MedGen C0027672, MeSH D009386, MONDO:0015356.

Submissions (2):

Labcorp Genetics (formerly Invitae), Labcorp
Classification: Uncertain significance for Oligodontia-cancer predisposition syndrome. Last evaluated: 2025-05-05. Review status: criteria provided, single submitter. Criteria: Invitae Variant Classification Sherloc (09022015). Collection method: clinical testing. Allele origin: germline.
Comment: This sequence change replaces leucine, which is neutral and non-polar, with valine, which is neutral and non-polar, at codon 697 of the AXIN2 protein (p.Leu697Val). This variant is not present in population databases (gnomAD no frequency). This variant has not been reported in the literature in individuals affected with AXIN2-related conditions. ClinVar contains an entry for this variant (Variation ID: 1055310). Invitae Evidence Modeling of protein sequence and biophysical properties (such as structural, functional, and spatial information, amino acid conservation, physicochemical variation, residue mobility, and thermodynamic stability) indicates that this missense variant is expected to disrupt AXIN2 protein function with a positive predictive value of 80%. In summary, the available evidence is currently insufficient to determine the role of this variant in disease. Therefore, it has been classified as a Variant of Uncertain Significance.

Ambry Genetics
Classification: Uncertain significance for Hereditary cancer-predisposing syndrome. Last evaluated: 2022-11-16. Review status: criteria provided, single submitter. Criteria: Ambry Variant Classification Scheme 2023. Collection method: clinical testing. Allele origin: germline.
Comment: The p.L697V variant (also known as c.2089C>G), located in coding exon 7 of the AXIN2 gene, results from a C to G substitution at nucleotide position 2089. The leucine at codon 697 is replaced by valine, an amino acid with highly similar properties. This amino acid position is conserved. In addition, the in silico prediction for this alteration is inconclusive. Since supporting evidence is limited at this time, the clinical significance of this alteration remains unclear.